The following is an entry in ClinVar:

ClinVar aggregate classification (germline): Benign/Likely benign. Review status: criteria provided, multiple submitters, no conflicts (2 of 4 stars). 4 submissions from 4 submitters: Benign (1); Likely benign (3). Last evaluated 2025-11-23.

Conditions:
Hereditary cancer-predisposing syndrome. Also called: Neoplastic Syndromes, Hereditary; Hereditary Cancer Syndrome; Hereditary neoplastic syndrome; Tumor predisposition. Identifiers: Orphanet 140162, MedGen C0027672, MeSH D009386, MONDO:0015356.
BAP1-related tumor predisposition syndrome (TPDS1). Also called: COMMON Syndrome; TUMOR PREDISPOSITION SYNDROME 1; BAP1 tumor predisposition syndrome; Tumor susceptibility linked to germline BAP1 mutations. Identifiers: Orphanet 289539, MedGen C3280492, MONDO:0013692, OMIM 614327.

Allele frequency attached by ClinVar (database versions not stated): ExAC 0.00001; gnomAD 0.00001; TOPMed 0.00002; ESP Exome Variant Server 0.00008.
gnomAD v4.1: 63 of 1,613,914 alleles (0.0039%); highest among the groups gnomAD compares: Non-Finnish European, 0.0052%; no homozygotes.

Submissions (4):

Labcorp Genetics (formerly Invitae), Labcorp
Classification: Likely benign for BAP1-related tumor predisposition syndrome. Last evaluated: 2025-11-23. Review status: criteria provided, single submitter. Criteria: Invitae Variant Classification Sherloc (09022015). Collection method: clinical testing. Allele origin: germline.

Myriad Genetics, Inc.
Classification: Benign for BAP1-related tumor predisposition syndrome. Last evaluated: 2024-07-16. Review status: criteria provided, single submitter. Criteria: Myriad Autosomal Dominant, Autosomal Recessive and X-Linked Classification Criteria (2023). Collection method: clinical testing. Allele origin: unknown.
Comment: This variant is considered benign. This variant is a silent/synonymous amino acid change and it is not expected to impact splicing.

Ambry Genetics
Classification: Likely benign for Hereditary cancer-predisposing syndrome. Last evaluated: 2019-03-21. Review status: criteria provided, single submitter. Criteria: Ambry Variant Classification Scheme 2023. Collection method: clinical testing. Allele origin: germline.

Color Diagnostics, LLC DBA Color Health
Classification: Likely benign for Hereditary cancer-predisposing syndrome. Last evaluated: 2018-12-07. Review status: criteria provided, single submitter. Criteria: ACMG Guidelines, 2015. Collection method: clinical testing. Allele origin: germline.

NM_004656.4(BAP1):c.1416G>A (p.Gly472=)

Gene: BAP1 (BRCA1 associated deubiquitinase 1; minus strand). Cytogenetic location: 3p21.1.
Variant type: single nucleotide variant.
Coding change: c.1416G>A on transcript NM_004656.4 (MANE Select); coding-DNA position 1416, G replaced by A.
Protein change: p.Gly472=; no amino-acid change (glycine 472 retained).
Molecular consequence: synonymous variant.
Genome position (GRCh38, 1-based): chr3:52,403,729, C>T on the plus strand (G>A on the coding strand, the complement: BAP1 is on the minus strand). VCF-style: chr3-52403729-C-T. GRCh37 (hg19) VCF-style: chr3-52437745-C-T.
Identifiers: ClinVar variation 539934 (VCV000539934.18), dbSNP rs375433595, ClinGen allele CA2436809.
Genomic context (GRCh38, chr3:52,403,729, plus strand): 5'-ACTCTCATTGCTGGGGGTGGGTGAGGGCTGCGAGTGTGTGGGCACTGCCACAGCCGGACT[C>T]CCAGCCCCGCTGCTAGTCTTGATGGACAGAGGAATTGAGAGGTCCTTCTGGGACTCTTTG-3'
Protein context (NP_004647.1, residues 462-482): PLSIKTSSGA[Gly472=]SPAVAVPTHS